The following is an entry in ClinVar:

ClinVar aggregate classification (germline): Uncertain significance. Review status: criteria provided, multiple submitters, no conflicts (2 of 4 stars). 2 submissions from 2 submitters: Uncertain significance (2). Last evaluated 2025-06-07.

Conditions:
Inborn genetic diseases. Identifiers: MedGen C0950123, MeSH D030342.
Polyglucosan body myopathy type 1 (PGBM1). Also called: Polyglucosan body myopathy 1 with or without immunodeficiency; POLYGLUCOSAN BODY MYOPATHY WITHOUT IMMUNODEFICIENCY. Identifiers: Orphanet 329173, Orphanet 397937, MedGen C4014605, MONDO:0014389, OMIM 615895.

Allele frequency attached by ClinVar (database versions not stated): 1000 Genomes Project 0.00020; gnomAD 0.00003 and 0.00002; ExAC 0.00003; 1000 Genomes Project 30x 0.00016; TOPMed 0.00003; gnomAD exomes 0.00003.
gnomAD v4.1: 17 of 1,614,024 alleles (0.0011%); highest among the groups gnomAD compares: East Asian, 0.038%; no homozygotes.

Submissions (2):

Ambry Genetics
Classification: Uncertain significance for Inborn genetic diseases. Last evaluated: 2025-06-07. Review status: criteria provided, single submitter. Criteria: Ambry Variant Classification Scheme 2023. Collection method: clinical testing. Allele origin: germline.

Labcorp Genetics (formerly Invitae), Labcorp
Classification: Uncertain significance for Polyglucosan body myopathy 1 with or without immunodeficiency. Last evaluated: 2018-11-28. Review status: criteria provided, single submitter. Criteria: Invitae Variant Classification Sherloc (09022015). Collection method: clinical testing. Allele origin: germline.
Comment: This sequence change replaces threonine with serine at codon 373 of the RBCK1 protein (p.Thr373Ser). TheÂ¬â€ threonineÂ¬â€ residue is highly conserved and there is a small physicochemical difference betweenÂ¬â€ threonineÂ¬â€ and serine. This variant is present in population databases (rs531364402, ExAC 0.03%). This variant has not been reported in the literature in individuals with RBCK1-related conditions. Algorithms developed to predict the effect of missense changes on protein structure and function (SIFT, PolyPhen-2, Align-GVGD) all suggest that this variant is likely to be disruptive, but these predictions have not been confirmed by published functional studies and their clinical significance is uncertain. In summary, the available evidence is currently insufficient to determine the role of this variant in disease. Therefore, it has been classified as a Variant of Uncertain Significance.

NM_031229.4(RBCK1):c.1117A>T (p.Thr373Ser)

Gene: RBCK1 (RANBP2-type and C3HC4-type zinc finger containing 1; plus strand). Cytogenetic location: 20p13.
Variant type: single nucleotide variant.
Coding change: c.1117A>T on transcript NM_031229.4 (MANE Select); coding-DNA position 1117, A replaced by T.
Protein change: p.Thr373Ser; replaces threonine 373 with serine.
Molecular consequence: missense variant. On other transcripts: non-coding transcript variant (1).
Genome position (GRCh38, 1-based): chr20:427,400, A>T. VCF-style: chr20-427400-A-T. GRCh37 (hg19) VCF-style: chr20-408044-A-T.
Other names: c.607A>T, p.Thr203Ser (NM_001323956.2, NM_001323958.2); c.991A>T, p.Thr331Ser (NM_006462.6); c.1117A>T (NM_031229.2); short protein forms T331S, T203S, T373S.
Identifiers: ClinVar variation 661029 (VCV000661029.2), dbSNP rs531364402, ClinGen allele CA9723277.